The following is an entry in ClinVar:

ClinVar aggregate classification (germline): Uncertain significance (1 of 4 stars; one submission).

Allele frequency attached by ClinVar (database versions not stated): ESP Exome Variant Server 0.00008; ExAC 0.00011; 1000 Genomes Project 30x 0.00016; gnomAD exomes 0.00016; gnomAD 0.00019; 1000 Genomes Project 0.00020; TOPMed 0.00023.

Submission:

Labcorp Genetics (formerly Invitae), Labcorp
Classification: Uncertain significance. Last evaluated: 2023-06-06. Review status: criteria provided, single submitter. Criteria: Invitae Variant Classification Sherloc (09022015). Collection method: clinical testing. Allele origin: germline.
Comment: In summary, the available evidence is currently insufficient to determine the role of this variant in disease. Therefore, it has been classified as a Variant of Uncertain Significance. An algorithm developed to predict the effect of missense changes on protein structure and function (PolyPhen-2) suggests that this variant is likely to be tolerated. This variant has not been reported in the literature in individuals affected with PLD3-related conditions. This variant is present in population databases (rs144312764, gnomAD 0.04%). This sequence change replaces arginine, which is basic and polar, with cysteine, which is neutral and slightly polar, at codon 272 of the PLD3 protein (p.Arg272Cys).

NM_012268.4(PLD3):c.814C>T (p.Arg272Cys)

Genes: PLD3 (phospholipase D family member 3; plus strand), LOC121852988 (Sharpr-MPRA regulatory region 12346; plus strand). Cytogenetic location: 19q13.2.
Variant type: single nucleotide variant.
Coding change: c.814C>T on transcript NM_012268.4 (MANE Select); coding-DNA position 814, C replaced by T.
Protein change: p.Arg272Cys; replaces arginine 272 with cysteine.
Molecular consequence: missense variant.
Genome position (GRCh38, 1-based): chr19:40,371,808, C>T. VCF-style: chr19-40371808-C-T. GRCh37 (hg19) VCF-style: chr19-40877715-C-T.
Other names: c.814C>T, p.Arg272Cys (NM_001291311.2, NM_001031696.4); short protein forms R272C.
Identifiers: ClinVar variation 2885616 (VCV002885616.3), dbSNP rs144312764, ClinGen allele CA9442831.
Genomic context (GRCh38, chr19:40,371,808, plus strand): 5'-TGGTTCCTGGGCCAGGCAGGCAGCTCCATCCCATCAACTTGGCCCCGGTTCTATGACACC[C>T]GCTACAACCAAGAGACACCAATGGAGATCTGCCTCAATGGAACCCCTGCTCTGGCCTACC-3'
Protein context (NP_036400.2, residues 262-282): PSTWPRFYDT[Arg272Cys]YNQETPMEIC